The following is an entry in ClinVar:

ClinVar aggregate classification (germline): Uncertain significance (1 of 4 stars; one submission).

Conditions:
Immunodeficiency 104. Also called: Severe combined immunodeficiency, autosomal recessive, T cell-negative, B cell-positive, NK cell-positive; IMMUNODEFICIENCY 104, SEVERE COMBINED; Severe Combined Immune Deficiency, Autosomal Recessive, TCell -Negative, B Cell-Positive, NK Cell-Positive, IL7R-Related; SCID, AUTOSOMAL RECESSIVE, T CELL-NEGATIVE, B CELL-POSITIVE, NK CELL-POSITIVE. Identifiers: MedGen C5676890, MONDO:0012163, OMIM 608971.

Submission:

Labcorp Genetics (formerly Invitae), Labcorp
Classification: Uncertain significance for Immunodeficiency 104. Last evaluated: 2024-10-28. Review status: criteria provided, single submitter. Criteria: Invitae Variant Classification Sherloc (09022015). Collection method: clinical testing. Allele origin: germline.
Comment: This sequence change replaces phenylalanine, which is neutral and non-polar, with valine, which is neutral and non-polar, at codon 96 of the PTPRC protein (p.Phe96Val). This variant is not present in population databases (gnomAD no frequency). This variant has not been reported in the literature in individuals affected with PTPRC-related conditions. ClinVar contains an entry for this variant (Variation ID: 1714363). An algorithm developed to predict the effect of missense changes on protein structure and function outputs the following: PolyPhen-2: "Benign". The valine amino acid residue is found in multiple mammalian species, which suggests that this missense change does not adversely affect protein function. In summary, the available evidence is currently insufficient to determine the role of this variant in disease. Therefore, it has been classified as a Variant of Uncertain Significance.

NM_002838.5(PTPRC):c.286T>G (p.Phe96Val)

Gene: PTPRC (protein tyrosine phosphatase receptor type C; plus strand). Cytogenetic location: 1q31.3.
Variant type: single nucleotide variant.
Coding change: c.286T>G on transcript NM_002838.5 (MANE Select); coding-DNA position 286, T replaced by G.
Protein change: p.Phe96Val; replaces phenylalanine 96 with valine.
Molecular consequence: missense variant. On other transcripts: intron variant (1).
Genome position (GRCh38, 1-based): chr1:198,696,897, T>G. VCF-style: chr1-198696897-T-G. GRCh37 (hg19) VCF-style: chr1-198666026-T-G.
Other names: c.100+4524T>G (NM_080921.4); short protein forms F96V.
Identifiers: ClinVar variation 1714363 (VCV001714363.6), dbSNP rs1666232106, ClinGen allele CA344097073.
Genomic context (GRCh38, chr1:198,696,897, plus strand): 5'-CTTAGTCCAGACAATACTTCCACCCAAGTATCCCCGGACTCTTTGGATAATGCTAGTGCT[T>G]TTAATACCACAGGTTGGCACACAAAAGTTGTTAACTTAAATATCAGGGAATGTCATTTAG-3'
Protein context (NP_002829.3, residues 86-106): SPDSLDNASA[Phe96Val]NTTGVSSVQT